The following is an entry in ClinVar:

NM_000049.4(ASPA):c.731A>G (p.His244Arg)

Genes: ASPA (aspartoacylase; plus strand), SPATA22 (spermatogenesis associated 22; minus strand). Cytogenetic location: 17p13.2.
Variant type: single nucleotide variant.
Coding change: c.731A>G on transcript NM_000049.4 (MANE Select); coding-DNA position 731, A replaced by G.
Protein change: p.His244Arg; replaces histidine 244 with arginine.
Molecular consequence: missense variant. On other transcripts: intron variant (2).
Genome position (GRCh38, 1-based): chr17:3,494,446, A>G. VCF-style: chr17-3494446-A-G. GRCh37 (hg19) VCF-style: chr17-3397740-A-G.
Other names: c.731A>G, p.His244Arg (NM_001128085.1); c.-74+18966T>C (NM_001321336.2, NM_001321337.2); short protein forms H244R.
Identifiers: ClinVar variation 371086 (VCV000371086.12), dbSNP rs1057516995, ClinGen allele CA16041827.

ClinVar aggregate classification (germline): Likely pathogenic. Review status: criteria provided, multiple submitters, no conflicts (2 of 4 stars). 4 submissions from 4 submitters: Likely pathogenic (3). 1 of the submissions does not count toward it. Last evaluated 2025-06-30.

Conditions:
Spongy degeneration of central nervous system. Also called: Canavan disease; AMINOACYLASE 2 DEFICIENCY; ACY2 DEFICIENCY; ASP DEFICIENCY; ASPA DEFICIENCY; ASPARTOACYLASE DEFICIENCY. Identifiers: Orphanet 141, MedGen C0206307, MONDO:0010079, OMIM 271900.
Canavan Disease, Familial Form. Identifiers: MedGen C0751663.

gnomAD v4.1: 7 of 1,604,164 alleles (0.00044%); highest among the groups gnomAD compares: Non-Finnish European, 0.0006%; no homozygotes.

Submissions (4):

Natera, Inc.
Classification: Likely pathogenic for Canavan Disease. Last evaluated: 2025-06-30. Review status: criteria provided, single submitter. Criteria: Natera Variant Classification Schema (03/2026). Collection method: clinical testing. Allele origin: germline.
Comment: The c.731A>G variant in ASPA is a missense variant predicted to cause substitution of histidine to arginine at amino acid 244. This variant is rare in the general population with a frequency below the threshold expected for the associated phenotype(s). This variant has been observed in one or more individuals affected with the associated recessive disease, as either homozygous or compound heterozygous with a second variant (PMID: 12638939, 16854607). Functional studies show that this variant may disrupt protein function (PMID: 12638939). Computational prediction algorithms indicate this variant is likely to affect gene or protein function. Given the available evidence, this variant is classified as Likely Pathogenic.

Labcorp Genetics (formerly Invitae), Labcorp
Classification: Likely pathogenic for Spongy degeneration of central nervous system. Last evaluated: 2023-12-12. Review status: criteria provided, single submitter. Criteria: Invitae Variant Classification Sherloc (09022015). Collection method: clinical testing. Allele origin: germline.
Comment: This sequence change replaces histidine, which is basic and polar, with arginine, which is basic and polar, at codon 244 of the ASPA protein (p.His244Arg). This variant is not present in population databases (gnomAD no frequency). This missense change has been observed in individuals with Canavan disease (PMID: 12638939, 16854607). ClinVar contains an entry for this variant (Variation ID: 371086). Advanced modeling of protein sequence and biophysical properties (such as structural, functional, and spatial information, amino acid conservation, physicochemical variation, residue mobility, and thermodynamic stability) performed at Invitae indicates that this missense variant is expected to disrupt ASPA protein function with a positive predictive value of 95%. Experimental studies have shown that this missense change affects ASPA function (PMID: 12638939). This variant disrupts the p.His244 amino acid residue in ASPA. Other variant(s) that disrupt this residue have been observed in individuals with ASPA-related conditions (PMID: 16854607), which suggests that this may be a clinically significant amino acid residue. In summary, the currently available evidence indicates that the variant is pathogenic, but additional data are needed to prove that conclusively. Therefore, this variant has been classified as Likely Pathogenic.

Women's Health and Genetics/Laboratory Corporation of America, LabCorp
Classification: Likely pathogenic for Canavan Disease, Familial Form. Last evaluated: 2023-08-25. Review status: criteria provided, single submitter. Criteria: LabCorp Variant Classification Summary - May 2015. Collection method: clinical testing. Allele origin: germline.
Comment: Variant summary: ASPA c.731A>G (p.His244Arg) results in a non-conservative amino acid change in the encoded protein sequence. Five of five in-silico tools predict a damaging effect of the variant on protein function. The variant was absent in 251220 control chromosomes (gnomAD). c.731A>G has been reported in the literature in individuals affected with Canavan Disease (examples: Zeng_2002, Zeng_2006, and Di Pietro_2008). These data indicate that the variant may be associated with disease. At least one publication reports experimental evidence evaluating an impact on protein function and the variant showed no ASPA activity in COS-7 cells (examples: Zeng_2002). The following publications have been ascertained in the context of this evaluation (PMID: 18280251, 12638939, 16854607). Two submitters have cited clinical-significance assessments for this variant to ClinVar after 2014. All submitters classified the variant as likely pathogenic. Based on the evidence outlined above, the variant was classified as likely pathogenic.

Counsyl
Classification: Likely pathogenic for Spongy degeneration of central nervous system. Last evaluated: 2016-06-27. Review status: no assertion criteria provided. Collection method: clinical testing. Allele origin: unknown. Not counted in ClinVar's aggregate classification.

Literature cited by the submitters: PubMed 12638939 (cited by 4 submitters); PubMed 16854607 (cited by 3 submitters); PubMed 18280251 (cited by Women's Health and Genetics/Laboratory Corporation of America, LabCorp); PubMed 16802711 (cited by Counsyl).